The following is an entry in ClinVar:

NM_024105.4(ALG12):c.688dup (p.Tyr230fs)

Gene: ALG12 (ALG12 alpha-1,6-mannosyltransferase; minus strand). Cytogenetic location: 22q13.33.
Variant type: Duplication.
Coding change: c.688dup on transcript NM_024105.4 (MANE Select); coding-DNA position 688, one base duplicated (T; older notation c.688dupT).
Protein change: p.Tyr230fs; shifts the reading frame from tyrosine 230.
Molecular consequence: frameshift variant.
Genome position (GRCh38, 1-based): chr22:49,909,324, A duplicated on the plus strand (T on the coding strand, the reverse complement: ALG12 is on the minus strand); the first of 2 consecutive A bases (chr22:49,909,324-49,909,325); duplicating either gives the same sequence. VCF-style (leftmost placement, unchanged base first): chr22-49909323-T-TA. GRCh37 (hg19) VCF-style: chr22-50302971-T-TA.
Other names: short protein forms Y230fs.
Identifiers: ClinVar variation 1456464 (VCV001456464.6), dbSNP rs1569175744, ClinGen allele CA640014219.

ClinVar aggregate classification (germline): Pathogenic (1 of 4 stars; one submission).

Conditions:
ALG12-congenital disorder of glycosylation (CDG1G). Also called: Congenital disorder of glycosylation, type Ig; CDG Ig; ALG12-CDG. Identifiers: Orphanet 79324, MedGen C2931001, MONDO:0011783, OMIM 607143.

Submission:

Labcorp Genetics (formerly Invitae), Labcorp
Classification: Pathogenic for ALG12-congenital disorder of glycosylation. Last evaluated: 2022-02-10. Review status: criteria provided, single submitter. Criteria: Invitae Variant Classification Sherloc (09022015). Collection method: clinical testing. Allele origin: germline.
Comment: For these reasons, this variant has been classified as Pathogenic. This variant has not been reported in the literature in individuals affected with ALG12-related conditions. This variant is present in population databases (no rsID available, gnomAD 0.0009%). This sequence change creates a premature translational stop signal (p.Tyr230Leufs*105) in the ALG12 gene. It is expected to result in an absent or disrupted protein product. Loss-of-function variants in ALG12 are known to be pathogenic (PMID: 15639192, 31481313).

Literature cited by the submitters: PubMed 15639192; PubMed 31481313.